The following is an entry in ClinVar:

ClinVar aggregate classification (germline): Likely benign (0 of 4 stars; one submission).

Conditions:
BBS7-related disorder. Also called: BBS7-related condition.

gnomAD v4.1: 1 of 1,606,616 alleles (0.000062%); highest among the groups gnomAD compares: Non-Finnish European, 0.000085%; no homozygotes.

Submission:

PreventionGenetics, part of Exact Sciences
Classification: Likely benign for BBS7-related condition. Last evaluated: 2022-06-06. Review status: no assertion criteria provided. Collection method: clinical testing. Allele origin: germline.
Comment: This variant is classified as likely benign based on ACMG/AMP sequence variant interpretation guidelines (Richards et al. 2015 PMID: 25741868, with internal and published modifications).

NM_176824.3(BBS7):c.1713T>C (p.Ser571=)

Gene: BBS7 (Bardet-Biedl syndrome 7; minus strand). Cytogenetic location: 4q27.
Variant type: single nucleotide variant.
Coding change: c.1713T>C on transcript NM_176824.3 (MANE Select); coding-DNA position 1713, T replaced by C.
Protein change: p.Ser571=; no amino-acid change (serine 571 retained).
Molecular consequence: synonymous variant.
Genome position (GRCh38, 1-based): chr4:121,828,692, A>G on the plus strand (T>C on the coding strand, the complement: BBS7 is on the minus strand). VCF-style: chr4-121828692-A-G. GRCh37 (hg19) VCF-style: chr4-122749847-A-G.
Other names: c.1713T>C, p.Ser571= (NM_018190.4).
Identifiers: ClinVar variation 3353750 (VCV003353750.1).